The following is an entry in ClinVar:

ClinVar aggregate classification (germline): Uncertain significance (1 of 4 stars; one submission).

Submission:

GeneDx
Classification: Uncertain significance. Last evaluated: 2023-04-20. Review status: criteria provided, single submitter. Criteria: GeneDx Variant Classification Process June 2021. Collection method: clinical testing. Allele origin: germline. Affected: yes.
Comment: Not observed at significant frequency in large population cohorts (gnomAD); In silico analysis supports that this missense variant does not alter protein structure/function; Has not been previously published as pathogenic or benign to our knowledge

NM_016604.4(KDM3B):c.1475C>G (p.Ser492Cys)

Gene: KDM3B (lysine demethylase 3B; plus strand). Cytogenetic location: 5q31.2.
Variant type: single nucleotide variant.
Coding change: c.1475C>G on transcript NM_016604.4 (MANE Select); coding-DNA position 1475, C replaced by G.
Protein change: p.Ser492Cys; replaces serine 492 with cysteine.
Molecular consequence: missense variant.
Genome position (GRCh38, 1-based): chr5:138,391,107, C>G. VCF-style: chr5-138391107-C-G. GRCh37 (hg19) VCF-style: chr5-137726796-C-G.
Other names: short protein forms S492C.
Identifiers: ClinVar variation 2662725 (VCV002662725.1), dbSNP rs2480206487, ClinGen allele CA361105562.